The following is an entry in ClinVar:

ClinVar aggregate classification (germline): Uncertain significance (1 of 4 stars; one submission).

Conditions:
Inflammatory bowel disease. Identifiers: Orphanet 104012, MedGen C0021390, MONDO:0005265, HP:0002037.

Submission:

Labcorp Genetics (formerly Invitae), Labcorp
Classification: Uncertain significance for Inflammatory bowel disease. Last evaluated: 2022-06-20. Review status: criteria provided, single submitter. Criteria: Invitae Variant Classification Sherloc (09022015). Collection method: clinical testing. Allele origin: germline.
Comment: This sequence change replaces arginine, which is basic and polar, with glutamine, which is neutral and polar, at codon 128 of the IL10 protein (p.Arg128Gln). This variant is present in population databases (no rsID available, gnomAD 0.003%). This variant has not been reported in the literature in individuals affected with IL10-related conditions. Algorithms developed to predict the effect of missense changes on protein structure and function are either unavailable or do not agree on the potential impact of this missense change (SIFT: "Deleterious"; PolyPhen-2: "Benign"; Align-GVGD: "Class C0"). In summary, the available evidence is currently insufficient to determine the role of this variant in disease. Therefore, it has been classified as a Variant of Uncertain Significance.

NM_000572.3(IL10):c.383G>A (p.Arg128Gln)

Gene: IL10 (interleukin 10; minus strand). Cytogenetic location: 1q32.1.
Variant type: single nucleotide variant.
Coding change: c.383G>A on transcript NM_000572.3 (MANE Select); coding-DNA position 383, G replaced by A.
Protein change: p.Arg128Gln; replaces arginine 128 with glutamine.
Molecular consequence: missense variant. On other transcripts: non-coding transcript variant (2).
Genome position (GRCh38, 1-based): chr1:206,769,890, C>T on the plus strand (G>A on the coding strand, the complement: IL10 is on the minus strand). VCF-style: chr1-206769890-C-T. GRCh37 (hg19) VCF-style: chr1-206943235-C-T.
Other names: c.128G>A, p.Arg43Gln (NM_001382624.1); short protein forms R43Q, R128Q.
Identifiers: ClinVar variation 1369972 (VCV001369972.5), dbSNP rs760677075, ClinGen allele CA344481899.
Genomic context (GRCh38, chr1:206,769,890, plus strand): 5'-TTATTAAAGGCATTCTTCACCTGCTCCACGGCCTTGCTCTTGTTTTCACAGGGAAGAAAT[C>T]GATGCTGTGGAAGAAAAGAGAAAGTGTTGGTGATCCTGGCTTCCAGCTCCATGTCCATCA-3'
Protein context (NP_000563.1, residues 118-138): TLRLRLRRCH[Arg128Gln]FLPCENKSKA